The following is an entry in ClinVar:

ClinVar aggregate classification (germline): Uncertain significance (1 of 4 stars; one submission).

Conditions:
Hereditary sensory and autonomic neuropathy type 6. Also called: Neuropathy, hereditary sensory and autonomic, type VI; HSAN VI. Identifiers: Orphanet 314381, MedGen C3539003, MONDO:0013839, OMIM 614653.
Epidermolysis bullosa simplex 3, localized or generalized intermediate, with BP230 deficiency (EBS3). Also called: Epidermolysis bullosa simplex due to BP230 deficiency; Epidermolysis bullosa simplex, autosomal recessive 2. Identifiers: Orphanet 412181, MedGen C3809470, MONDO:0014180, OMIM 615425.

Allele frequency attached by ClinVar (database versions not stated): ExAC 0.00001; gnomAD exomes 0.00001.
gnomAD v4.1: 7 of 1,608,370 alleles (0.00044%); highest among the groups gnomAD compares: Non-Finnish European, 0.00034%; no homozygotes.

Submission:

Labcorp Genetics (formerly Invitae), Labcorp
Classification: Uncertain significance for Epidermolysis bullosa simplex 3, localized or generalized intermediate, with BP230 deficiency; Hereditary sensory and autonomic neuropathy type 6. Last evaluated: 2024-02-05. Review status: criteria provided, single submitter. Criteria: Invitae Variant Classification Sherloc (09022015). Collection method: clinical testing. Allele origin: germline.
Comment: The DST gene has multiple clinically relevant transcripts. This variant occurs in alternate transcript NM_015548.4, and corresponds to NM_001723.5:c.*126036A>G in the primary transcript. This sequence change falls in intron 67 of the DST gene. It does not directly change the encoded amino acid sequence of the DST protein. This variant is present in population databases (rs762981919, gnomAD 0.0009%). This variant has not been reported in the literature in individuals affected with DST-related conditions. Experimental studies and prediction algorithms are not available or were not evaluated, and the effect of this variant on mRNA splicing is currently unknown. In summary, the available evidence is currently insufficient to determine the role of this variant in disease. Therefore, it has been classified as a Variant of Uncertain Significance.

NM_001374736.1(DST):c.20877+9A>G

Gene: DST (dystonin; minus strand). Cytogenetic location: 6p12.1.
Variant type: single nucleotide variant.
Coding change: c.20877+9A>G on transcript NM_001374736.1 (MANE Select); 9 bases into the intron after coding-DNA position 20877, A replaced by G.
Molecular consequence: intron variant.
Genome position (GRCh38, 1-based): chr6:56,489,481, T>C on the plus strand (A>G on the coding strand, the complement: DST is on the minus strand). VCF-style: chr6-56489481-T-C. GRCh37 (hg19) VCF-style: chr6-56354279-T-C.
Other names: c.14520+9A>G (NM_001144769.5); c.20877+9A>G (NM_001374722.1); c.20904+9A>G (NM_001374734.1); c.14106+9A>G (NM_001144770.2); c.13659+9A>G (NM_001374730.1); c.13986+9A>G (NM_001386100.1, NM_183380.4); c.19917+9A>G (NM_001374729.1); c.13008+9A>G (NM_015548.5).
Identifiers: ClinVar variation 1942980 (VCV001942980.3), dbSNP rs762981919, ClinGen allele CA3866648.